The following is an entry in ClinVar:

ClinVar aggregate classification (germline): Uncertain significance (1 of 4 stars; one submission).

Conditions:
Aortic aneurysm, familial thoracic 7 (AAT7). Also called: AORTIC DISSECTION, FAMILIAL, WITH OR WITHOUT AORTIC ANEURYSM. Identifiers: MedGen C3151077, MONDO:0013418, OMIM 613780.

Submission:

Labcorp Genetics (formerly Invitae), Labcorp
Classification: Uncertain significance for Aortic aneurysm, familial thoracic 7. Last evaluated: 2023-10-05. Review status: criteria provided, single submitter. Criteria: Invitae Variant Classification Sherloc (09022015). Collection method: clinical testing. Allele origin: germline.
Comment: This sequence change falls in intron 25 of the MYLK gene. It does not directly change the encoded amino acid sequence of the MYLK protein. Information on the frequency of this variant in the gnomAD database is not available, as this variant may be reported differently in the database. This variant has not been reported in the literature in individuals affected with MYLK-related conditions. ClinVar contains an entry for this variant (Variation ID: 2061186). Experimental studies and prediction algorithms are not available or were not evaluated, and the effect of this variant on mRNA splicing is currently unknown. In summary, the available evidence is currently insufficient to determine the role of this variant in disease. Therefore, it has been classified as a Variant of Uncertain Significance.

NM_053025.4(MYLK):c.4322-9_4322-8delinsTT

Gene: MYLK (myosin light chain kinase; minus strand). Cytogenetic location: 3q21.1.
Variant type: Indel.
Coding change: c.4322-9_4322-8delinsTT on transcript NM_053025.4 (MANE Select); 9 bases into the intron before coding-DNA position 4322 through 8 bases into the intron before coding-DNA position 4322, GC replaced by TT.
Molecular consequence: intron variant.
Genome position (GRCh38, 1-based): chr3:123,649,072-123,649,073, GC replaced by AA on the plus strand (GC replaced by TT on the coding strand, the reverse complement: MYLK is on the minus strand). VCF-style: chr3-123649072-GC-AA. GRCh37 (hg19) VCF-style: chr3-123367919-GC-AA.
Other names: c.3794-9_3794-8delinsTT (NM_001321309.2); c.4115-9_4115-8delinsTT (NM_053028.4, NM_053026.4); c.4322-9_4322-8delinsTT (NM_053027.4).
Identifiers: ClinVar variation 2061186 (VCV002061186.2), dbSNP rs2473399853, ClinGen allele CA2580068711.